The following is an entry in ClinVar:

ClinVar aggregate classification (germline): Uncertain significance. Review status: criteria provided, multiple submitters, no conflicts (2 of 4 stars). 2 submissions from 2 submitters: Uncertain significance (2). Last evaluated 2024-12-08.

Allele frequency attached by ClinVar (database versions not stated): gnomAD 0.00001 and 0.00002; TOPMed 0.00003.
gnomAD v4.1: 11 of 1,614,058 alleles (0.00068%); highest among the groups gnomAD compares: East Asian, 0.022%; no homozygotes.

Submissions (2):

Labcorp Genetics (formerly Invitae), Labcorp
Classification: Uncertain significance. Last evaluated: 2024-12-08. Review status: criteria provided, single submitter. Criteria: Invitae Variant Classification Sherloc (09022015). Collection method: clinical testing. Allele origin: germline.
Comment: This sequence change replaces alanine, which is neutral and non-polar, with serine, which is neutral and polar, at codon 287 of the GNB3 protein (p.Ala287Ser). This variant is present in population databases (rs782090563, gnomAD 0.04%). This missense change has been observed in individual(s) with atrioventricular nodal reentry tachycardia (PMID: 32508047). ClinVar contains an entry for this variant (Variation ID: 1040405). Invitae Evidence Modeling of protein sequence and biophysical properties (such as structural, functional, and spatial information, amino acid conservation, physicochemical variation, residue mobility, and thermodynamic stability) indicates that this missense variant is not expected to disrupt GNB3 protein function with a negative predictive value of 80%. In summary, the available evidence is currently insufficient to determine the role of this variant in disease. Therefore, it has been classified as a Variant of Uncertain Significance.

Blueprint Genetics
Classification: Uncertain significance. Last evaluated: 2023-10-18. Review status: criteria provided, single submitter. Criteria: ACMG Guidelines, 2015. Collection method: clinical testing. Allele origin: germline.

Literature cited by the submitters: PubMed 32508047 (cited by Labcorp Genetics (formerly Invitae), Labcorp).

NM_002075.4(GNB3):c.859G>T (p.Ala287Ser)

Genes: GNB3 (G protein subunit beta 3; plus strand), CDCA3 (cell division cycle associated 3; minus strand). Cytogenetic location: 12p13.31.
Variant type: single nucleotide variant.
Coding change: c.859G>T on transcript NM_002075.4 (MANE Select); coding-DNA position 859, G replaced by T.
Protein change: p.Ala287Ser; replaces alanine 287 with serine.
Molecular consequence: missense variant. On other transcripts: 3 prime UTR variant (1).
Genome position (GRCh38, 1-based): chr12:6,845,745, G>T. VCF-style: chr12-6845745-G-T. GRCh37 (hg19) VCF-style: chr12-6954909-G-T.
Other names: c.856G>T, p.Ala286Ser (NM_001297571.2); c.*1043C>A (NM_001297603.3); short protein forms A286S, A287S.
Identifiers: ClinVar variation 1040405 (VCV001040405.48), dbSNP rs782090563, ClinGen allele CA6417685.